The following is an entry in ClinVar:

ClinVar aggregate classification (germline): Likely benign. Review status: criteria provided, multiple submitters, no conflicts (2 of 4 stars). 4 submissions from 4 submitters: Likely benign (4). Last evaluated 2026-01-21.

Conditions:
Hereditary cancer-predisposing syndrome. Also called: Neoplastic Syndromes, Hereditary; Tumor predisposition; Hereditary Cancer Syndrome; Hereditary neoplastic syndrome. Identifiers: Orphanet 140162, MedGen C0027672, MeSH D009386, MONDO:0015356.
Neuroblastoma, susceptibility to, 3. Also called: ALK-Related Neuroblastic Tumor Susceptibility. Identifiers: Orphanet 635, MedGen C2751681, MONDO:0013083, OMIM 613014.

Allele frequency attached by ClinVar (database versions not stated): gnomAD exomes 0.00002; TOPMed 0.00004; ExAC 0.00005; gnomAD 0.00007 and 0.00008.
gnomAD v4.1: 59 of 1,574,554 alleles (0.0037%); highest among the groups gnomAD compares: Middle Eastern, 0.018%; no homozygotes.

Submissions (4):

Labcorp Genetics (formerly Invitae), Labcorp
Classification: Likely benign for Neuroblastoma, susceptibility to, 3. Last evaluated: 2026-01-21. Review status: criteria provided, single submitter. Criteria: Invitae Variant Classification Sherloc (09022015). Collection method: clinical testing. Allele origin: germline.

Blueprint Genetics
Classification: Likely benign. Last evaluated: 2024-09-10. Review status: criteria provided, single submitter. Criteria: ACMG Guidelines, 2015. Collection method: clinical testing. Allele origin: germline.

Ambry Genetics
Classification: Likely benign for Hereditary cancer-predisposing syndrome. Last evaluated: 2022-02-12. Review status: criteria provided, single submitter. Criteria: Ambry Variant Classification Scheme 2023. Collection method: clinical testing. Allele origin: germline.

Illumina Laboratory Services, Illumina
Classification: Likely benign for Neuroblastoma, susceptibility to, 3. Last evaluated: 2018-01-13. Review status: criteria provided, single submitter. Criteria: ICSL Variant Classification Criteria 13 December 2019. Collection method: clinical testing. Allele origin: germline.
Comment: This variant was observed in the ICSL laboratory as part of a predisposition screen in an ostensibly healthy population. It had not been previously curated by ICSL or reported in the Human Gene Mutation Database (HGMD: prior to June 1st, 2018), and was therefore a candidate for classification through an automated scoring system. Utilizing variant allele frequency, disease prevalence and penetrance estimates, and inheritance mode, an automated score was calculated to assess if this variant is too frequent to cause the disease. Based on the score and internal cut-off values, a variant classified as likely benign is not then subjected to further curation. The score for this variant resulted in a classification of likely benign for this disease.

NM_004304.5(ALK):c.72G>A (p.Gly24=)

Gene: ALK (ALK receptor tyrosine kinase; minus strand). Cytogenetic location: 2p23.1.
Variant type: single nucleotide variant.
Coding change: c.72G>A on transcript NM_004304.5 (MANE Select); coding-DNA position 72, G replaced by A.
Protein change: p.Gly24=; no amino-acid change (glycine 24 retained).
Molecular consequence: synonymous variant.
Genome position (GRCh38, 1-based): chr2:29,920,588, C>T on the plus strand (G>A on the coding strand, the complement: ALK is on the minus strand). VCF-style: chr2-29920588-C-T. GRCh37 (hg19) VCF-style: chr2-30143454-C-T.
Identifiers: ClinVar variation 335717 (VCV000335717.18), dbSNP rs756782371, ClinGen allele CA1595055.
Genomic context (GRCh38, chr2:29,920,588, plus strand): 5'-GAGTGGCTCCCGGGGCTGCAGCGGCGGCCCCGCAGCTGGGGAGCCCGCGCGCTGGCCGGT[C>T]CCCATCCCGGAGCCCACAGCTGCCGTGGAAAGCAGCAGCGGCAGGAGCCACAGGAGCCCG-3'
Protein context (NP_004295.2, residues 14-34): LSTAAVGSGM[Gly24=]TGQRAGSPAA